The following is an entry in ClinVar:

ClinVar aggregate classification (germline): Uncertain significance (1 of 4 stars; one submission).

Conditions:
Cardiovascular phenotype. Identifiers: MedGen CN230736.

Submission:

Ambry Genetics
Classification: Uncertain significance for Cardiovascular phenotype. Last evaluated: 2023-10-20. Review status: criteria provided, single submitter. Criteria: Ambry Variant Classification Scheme 2023. Collection method: clinical testing. Allele origin: germline.
Comment: The p.P2705T variant (also known as c.8113C>A), located in coding exon 53 of the RYR2 gene, results from a C to A substitution at nucleotide position 8113. The proline at codon 2705 is replaced by threonine, an amino acid with highly similar properties. This amino acid position is highly conserved in available vertebrate species. In addition, this alteration is predicted to be deleterious by in silico analysis. Since supporting evidence is limited at this time, the clinical significance of this alteration remains unclear.

NM_001035.3(RYR2):c.8113C>A (p.Pro2705Thr)

Gene: RYR2 (ryanodine receptor 2; plus strand). Cytogenetic location: 1q43.
Variant type: single nucleotide variant.
Coding change: c.8113C>A on transcript NM_001035.3 (MANE Select); coding-DNA position 8113, C replaced by A.
Protein change: p.Pro2705Thr; replaces proline 2705 with threonine.
Molecular consequence: missense variant.
Genome position (GRCh38, 1-based): chr1:237,655,968, C>A. VCF-style: chr1-237655968-C-A. GRCh37 (hg19) VCF-style: chr1-237819268-C-A.
Other names: short protein forms P2705T.
Identifiers: ClinVar variation 3232412 (VCV003232412.1), dbSNP rs1683205763, ClinGen allele CA345401056.